The following is an entry in ClinVar:

NM_015226.3(CLEC16A):c.2675G>A (p.Ser892Asn)

Gene: CLEC16A (C-type lectin domain containing 16A; plus strand). Cytogenetic location: 16p13.13.
Variant type: single nucleotide variant.
Coding change: c.2675G>A on transcript NM_015226.3 (MANE Select); coding-DNA position 2675, G replaced by A.
Protein change: p.Ser892Asn; replaces serine 892 with asparagine.
Molecular consequence: missense variant.
Genome position (GRCh38, 1-based): chr16:11,166,421, G>A. VCF-style: chr16-11166421-G-A. GRCh37 (hg19) VCF-style: chr16-11260278-G-A.
Other names: short protein forms S892N.
Identifiers: ClinVar variation 719993 (VCV000719993.27), dbSNP rs72650687, ClinGen allele CA7901977.

ClinVar aggregate classification (germline): Likely benign. Review status: criteria provided, multiple submitters, no conflicts (2 of 4 stars). 2 submissions from 2 submitters: Likely benign (2). Last evaluated 2023-03-01.

Allele frequency attached by ClinVar (database versions not stated): 1000 Genomes Project 0.00080; 1000 Genomes Project 30x 0.00094; ExAC 0.00162; gnomAD exomes 0.00165; gnomAD 0.00173; TOPMed 0.00181; ESP Exome Variant Server 0.00240.
gnomAD v4.1: 5,446 of 1,605,748 alleles (0.34%); highest among the groups gnomAD compares: Non-Finnish European, 0.43%; 13 homozygotes.

Submissions (2):

CeGaT Center for Human Genetics Tuebingen
Classification: Likely benign. Last evaluated: 2023-03-01. Review status: criteria provided, single submitter. Criteria: CeGaT Center For Human Genetics Tuebingen Variant Classification Criteria Version 2. Collection method: clinical testing. Allele origin: germline. Affected: yes. Observed: 1 variant allele.
Comment: CLEC16A: BP4

Labcorp Genetics (formerly Invitae), Labcorp
Classification: Likely benign. Last evaluated: 2018-07-31. Review status: criteria provided, single submitter. Criteria: Invitae Variant Classification Sherloc (09022015). Collection method: clinical testing. Allele origin: germline.